The following is an entry in ClinVar:

ClinVar aggregate classification (germline): Uncertain significance (1 of 4 stars; one submission).

Conditions:
Arrhythmogenic right ventricular dysplasia 9 (ARVD9). Also called: Arrhythmogenic Right Ventricular Dysplasia/Cardiomyopathy 9; ARRHYTHMOGENIC RIGHT VENTRICULAR DYSPLASIA, FAMILIAL, 9. Identifiers: MedGen C1836906, MONDO:0012180, OMIM 609040.

Submission:

Labcorp Genetics (formerly Invitae), Labcorp
Classification: Uncertain significance for Arrhythmogenic right ventricular dysplasia 9. Last evaluated: 2025-08-03. Review status: criteria provided, single submitter. Criteria: Invitae Variant Classification Sherloc (09022015). Collection method: clinical testing. Allele origin: germline.
Comment: This sequence change replaces threonine, which is neutral and polar, with isoleucine, which is neutral and non-polar, at codon 267 of the PKP2 protein (p.Thr267Ile). This variant is not present in population databases (gnomAD no frequency). This variant has not been reported in the literature in individuals affected with PKP2-related conditions. An algorithm developed to predict the effect of missense changes on protein structure and function (PolyPhen-2) suggests that this variant is likely to be tolerated. In summary, the available evidence is currently insufficient to determine the role of this variant in disease. Therefore, it has been classified as a Variant of Uncertain Significance.

NM_001005242.3(PKP2):c.800C>T (p.Thr267Ile)

Gene: PKP2 (plakophilin 2; minus strand). Cytogenetic location: 12p11.21.
Variant type: single nucleotide variant.
Coding change: c.800C>T on transcript NM_001005242.3 (MANE Select); coding-DNA position 800, C replaced by T.
Protein change: p.Thr267Ile; replaces threonine 267 with isoleucine.
Molecular consequence: missense variant.
Genome position (GRCh38, 1-based): chr12:32,878,080, G>A on the plus strand (C>T on the coding strand, the complement: PKP2 is on the minus strand). VCF-style: chr12-32878080-G-A. GRCh37 (hg19) VCF-style: chr12-33031014-G-A.
Other names: c.800C>T, p.Thr267Ile (NM_001407155.1, NM_001407156.1, NM_001407157.1 and 2 more transcripts); c.473C>T, p.Thr158Ile (NM_001407158.1, NM_001407159.1, NM_001407160.1 and 1 more transcripts); short protein forms T158I, T267I.
Identifiers: ClinVar variation 4808722 (VCV004808722.1).
Genomic context (GRCh38, chr12:32,878,080, plus strand): 5'-CTGGAAGCCCTGTTCTGAGTGACGGGCTGCAGGGGCACCAGCGGCCTGACCTGCCCGACA[G>A]TGAGCCCTGCCGTCAGGTAGTTCTCCTTCTCCAAGAGGTTGCCCATGCTGCGGCTGGTCC-3'
Protein context (NP_001005242.2, residues 257-277): EKENYLTAGL[Thr267Ile]VGQVRPLVPL